The following is an entry in ClinVar:

NM_004006.3(DMD):c.4674G>A (p.Lys1558=)

Gene: DMD (dystrophin; minus strand). Cytogenetic location: Xp21.1.
Variant type: single nucleotide variant.
Coding change: c.4674G>A on transcript NM_004006.3 (MANE Select); coding-DNA position 4674, G replaced by A.
Protein change: p.Lys1558=; no amino-acid change (lysine 1558 retained).
Molecular consequence: synonymous variant.
Genome position (GRCh38, 1-based): chrX:32,386,310, C>T on the plus strand (G>A on the coding strand, the complement: DMD is on the minus strand). VCF-style: chrX-32386310-C-T. GRCh37 (hg19) VCF-style: chrX-32404427-C-T.
Other names: c.4650G>A, p.Lys1550= (NM_000109.4); c.4662G>A, p.Lys1554= (NM_004009.3); c.4305G>A, p.Lys1435= (NM_004010.3); c.651G>A, p.Lys217= (NM_004011.4); c.642G>A, p.Lys214= (NM_004012.4).
Identifiers: ClinVar variation 2767358 (VCV002767358.3), dbSNP rs2523039525, ClinGen allele CA515714989.
Genomic context (GRCh38, chrX:32,386,310, plus strand): 5'-TTGCTTTACAATTTATAAGGAAAGTGGAAAGAAGTGTTTGTGGTCTCAGCATGCACACAC[C>T]TTTGCTCCCAGCTCATTATAATGCAATTTCAAAGCTGTTACTCTTTCATCAAGTTCTTTG-3'
Protein context (NP_003997.2, residues 1548-1568): LKLHYNELGA[Lys1558=]VTERKQQLEK

ClinVar aggregate classification (germline): Uncertain significance (1 of 4 stars; one submission).

Conditions:
Duchenne muscular dystrophy (DMD). Also called: MUSCULAR DYSTROPHY, PSEUDOHYPERTROPHIC PROGRESSIVE, DUCHENNE TYPE; Duchenne Muscular Dystrophy (DMD). Identifiers: Orphanet 98896, MedGen C0013264, MONDO:0010679, OMIM 310200.

Submission:

Labcorp Genetics (formerly Invitae), Labcorp
Classification: Uncertain significance for Duchenne muscular dystrophy. Last evaluated: 2024-10-15. Review status: criteria provided, single submitter. Criteria: Invitae Variant Classification Sherloc (09022015). Collection method: clinical testing. Allele origin: germline.
Comment: This sequence change affects codon 1558 of the DMD mRNA. It is a 'silent' change, meaning that it does not change the encoded amino acid sequence of the DMD protein. This variant also falls at the last nucleotide of exon 33, which is part of the consensus splice site for this exon. This variant is not present in population databases (gnomAD no frequency). This variant has not been reported in the literature in individuals affected with DMD-related conditions. Variants that disrupt the consensus splice site are a relatively common cause of aberrant splicing (PMID: 17576681, 9536098). Algorithms developed to predict the effect of sequence changes on RNA splicing suggest that this variant may disrupt the consensus splice site. In summary, the available evidence is currently insufficient to determine the role of this variant in disease. Therefore, it has been classified as a Variant of Uncertain Significance.

Literature cited by the submitters: PubMed 17576681; PubMed 9536098.